The following is an entry in ClinVar:

ClinVar aggregate classification (germline): Uncertain significance (1 of 4 stars; one submission).

Conditions:
Combined oxidative phosphorylation defect type 27. Also called: Combined oxidative phosphorylation deficiency 27. Identifiers: Orphanet 477774, MedGen C5567608, MONDO:0014728, OMIM 616672.

Allele frequency attached by ClinVar (database versions not stated): gnomAD exomes below 0.00001.
gnomAD v4.1: 2 of 1,549,752 alleles (0.00013%); highest among the groups gnomAD compares: Non-Finnish European, 0.00017%; no homozygotes.

Submission:

Labcorp Genetics (formerly Invitae), Labcorp
Classification: Uncertain significance for Combined oxidative phosphorylation defect type 27. Last evaluated: 2022-05-27. Review status: criteria provided, single submitter. Criteria: Invitae Variant Classification Sherloc (09022015). Collection method: clinical testing. Allele origin: germline.
Comment: Algorithms developed to predict the effect of missense changes on protein structure and function (SIFT, PolyPhen-2, Align-GVGD) all suggest that this variant is likely to be tolerated. In summary, the available evidence is currently insufficient to determine the role of this variant in disease. Therefore, it has been classified as a Variant of Uncertain Significance. This variant has not been reported in the literature in individuals affected with CARS2-related conditions. This variant is not present in population databases (gnomAD no frequency). This sequence change replaces asparagine, which is neutral and polar, with histidine, which is basic and polar, at codon 539 of the CARS2 protein (p.Asn539His).

NM_024537.4(CARS2):c.1615A>C (p.Asn539His)

Gene: CARS2 (cysteinyl-tRNA synthetase 2, mitochondrial; minus strand). Cytogenetic location: 13q34.
Variant type: single nucleotide variant.
Coding change: c.1615A>C on transcript NM_024537.4 (MANE Select); coding-DNA position 1615, A replaced by C.
Protein change: p.Asn539His; replaces asparagine 539 with histidine.
Molecular consequence: missense variant. On other transcripts: non-coding transcript variant (2).
Genome position (GRCh38, 1-based): chr13:110,642,323, T>G on the plus strand (A>C on the coding strand, the complement: CARS2 is on the minus strand). VCF-style: chr13-110642323-T-G. GRCh37 (hg19) VCF-style: chr13-111294670-T-G.
Other names: c.829A>C, p.Asn277His (NM_001352252.2); short protein forms N539H, N277H.
Identifiers: ClinVar variation 1999532 (VCV001999532.4), dbSNP rs2501743607, ClinGen allele CA388739959.